The following is an entry in ClinVar:

NM_003334.4(UBA1):c.2464+6_2464+9del

Gene: UBA1 (ubiquitin like modifier activating enzyme 1; plus strand). Cytogenetic location: Xp11.3.
Variant type: Deletion.
Coding change: c.2464+6_2464+9del on transcript NM_003334.4 (MANE Select); bases 6 to 9 of the intron after coding-DNA position 2464, 4 bases deleted (GGTG; older notation c.2464+6_2464+9delGGTG).
Molecular consequence: intron variant.
Genome position (GRCh38, 1-based): chrX:47,211,231-47,211,234, GGTG deleted; deleting any 4 consecutive bases within chrX:47,211,230-47,211,234 gives the same sequence; the c. name uses the placement nearest the transcript's 3' end. VCF-style (leftmost placement, unchanged base first): chrX-47211229-AGGGT-A. GRCh37 (hg19) VCF-style: chrX-47070628-AGGGT-A.
Other names: c.2464+6_2464+9del (NM_153280.3); c.2464+6_2464+9delGGTG (NM_003334.3).
Identifiers: ClinVar variation 533614 (VCV000533614.13), dbSNP rs1175155400, ClinGen allele CA641900605.

ClinVar aggregate classification (germline): Uncertain significance. Review status: criteria provided, multiple submitters, no conflicts (2 of 4 stars). 2 submissions from 2 submitters: Uncertain significance (2). Last evaluated 2024-08-21.

Conditions:
Infantile-onset X-linked spinal muscular atrophy. Also called: Spinal muscular atrophy, X-linked 2; AMC, DISTAL, X-LINKED; ARTHROGRYPOSIS, X-LINKED, TYPE I; Spinal Muscular Atrophy, X-Linked Infantile; SPINAL MUSCULAR ATROPHY, X-LINKED LETHAL INFANTILE. Identifiers: Orphanet 1145, MedGen C1844934, MONDO:0010532, OMIM 301830.
Inborn genetic diseases. Identifiers: MedGen C0950123, MeSH D030342.

Submissions (2):

Labcorp Genetics (formerly Invitae), Labcorp
Classification: Uncertain significance for Infantile-onset X-linked spinal muscular atrophy. Last evaluated: 2024-08-21. Review status: criteria provided, single submitter. Criteria: Invitae Variant Classification Sherloc (09022015). Collection method: clinical testing. Allele origin: germline.
Comment: This sequence change falls in intron 20 of the UBA1 gene. It does not directly change the encoded amino acid sequence of the UBA1 protein. It affects a nucleotide within the consensus splice site. This variant is present in population databases (no rsID available, gnomAD 0.008%), including at least one homozygous and/or hemizygous individual. This variant has not been reported in the literature in individuals affected with UBA1-related conditions. ClinVar contains an entry for this variant (Variation ID: 533614). Variants that disrupt the consensus splice site are a relatively common cause of aberrant splicing (PMID: 17576681, 9536098). Algorithms developed to predict the effect of sequence changes on RNA splicing suggest that this variant is not likely to affect RNA splicing. In summary, the available evidence is currently insufficient to determine the role of this variant in disease. Therefore, it has been classified as a Variant of Uncertain Significance.

Ambry Genetics
Classification: Uncertain significance for Inborn genetic diseases. Last evaluated: 2019-12-05. Review status: criteria provided, single submitter. Criteria: Ambry Variant Classification Scheme 2023. Collection method: clinical testing. Allele origin: germline.
Comment: The c.2464+6_2464+9delGGTG intronic variant, located in intron 19 of the UBA1 gene, results from a deletion of 4 nucleotides within intron 19 of the UBA1 gene. This nucleotide position is not well conserved in available vertebrate species. Using the BDGP and ESEfinder splice site prediction tools, this alteration is not predicted to have any significant effect on this splice donor site; however, direct evidence is unavailable. Since supporting evidence is limited at this time, the clinical significance of this alteration remains unclear.

Literature cited by the submitters: PubMed 17576681 (cited by Labcorp Genetics (formerly Invitae), Labcorp); PubMed 9536098 (cited by Labcorp Genetics (formerly Invitae), Labcorp).